The following is an entry in ClinVar:

ClinVar aggregate classification (germline): Uncertain significance. Review status: criteria provided, multiple submitters, no conflicts (2 of 4 stars). 4 submissions from 3 submitters: Uncertain significance (4). Last evaluated 2024-11-02.

Conditions:
Cardiovascular phenotype. Identifiers: MedGen CN230736.
Familial hypobetalipoproteinemia 1. Also called: APOB-Related Familial Hypobetalipoproteinemia; Hypobetalipoproteinemia, normotriglyceridemic; Acanthocytosis with hypobetalipoproteinemia. Identifiers: MedGen C4551990, MONDO:0014252, OMIM 615558.
Hypercholesterolemia, autosomal dominant, type B (FHCL2). Also called: Hyperlipoproteinemia Type IIb; APOLIPOPROTEIN B-100, FAMILIAL DEFECTIVE; APOLIPOPROTEIN B-100, FAMILIAL LIGAND-DEFECTIVE; HYPERCHOLESTEROLEMIA, FAMILIAL, DUE TO LIGAND-DEFECTIVE APOLIPOPROTEIN B; APOB-Related Familial Hypercholesterolemia, Autosomal Dominant; Familial Hypercholesterolemia Type B. Identifiers: MedGen C1704417, MONDO:0007751, OMIM 144010.

Allele frequency attached by ClinVar (database versions not stated): TOPMed below 0.00001; gnomAD 0.00001; gnomAD exomes 0.00001.
gnomAD v4.1: 9 of 1,599,434 alleles (0.00056%); highest among the groups gnomAD compares: Non-Finnish European, 0.00077%; no homozygotes.

Submissions (4):

Labcorp Genetics (formerly Invitae), Labcorp
Classification: Uncertain significance for Familial hypobetalipoproteinemia 1; Hypercholesterolemia, autosomal dominant, type B. Last evaluated: 2024-11-02. Review status: criteria provided, single submitter. Criteria: Invitae Variant Classification Sherloc (09022015). Collection method: clinical testing. Allele origin: germline.
Comment: This sequence change replaces lysine, which is basic and polar, with glutamine, which is neutral and polar, at codon 613 of the APOB protein (p.Lys613Gln). This variant is not present in population databases (gnomAD no frequency). This variant has not been reported in the literature in individuals affected with APOB-related conditions. ClinVar contains an entry for this variant (Variation ID: 895848). Invitae Evidence Modeling of protein sequence and biophysical properties (such as structural, functional, and spatial information, amino acid conservation, physicochemical variation, residue mobility, and thermodynamic stability) indicates that this missense variant is not expected to disrupt APOB protein function with a negative predictive value of 95%. In summary, the available evidence is currently insufficient to determine the role of this variant in disease. Therefore, it has been classified as a Variant of Uncertain Significance.

Ambry Genetics
Classification: Uncertain significance for Cardiovascular phenotype. Last evaluated: 2024-08-12. Review status: criteria provided, single submitter. Criteria: Ambry Variant Classification Scheme 2023. Collection method: clinical testing. Allele origin: germline.
Comment: The p.K613Q variant (also known as c.1837A>C), located in coding exon 14 of the APOB gene, results from an A to C substitution at nucleotide position 1837. The lysine at codon 613 is replaced by glutamine, an amino acid with similar properties. This amino acid position is conserved. In addition, this alteration is predicted to be tolerated by in silico analysis. Based on the available evidence, the clinical significance of this variant remains unclear.

Illumina Laboratory Services, Illumina
Classification: Uncertain significance for Hypercholesterolemia, autosomal dominant, type B. Last evaluated: 2018-01-13. Review status: criteria provided, single submitter. Criteria: ICSL Variant Classification Criteria 13 December 2019. Collection method: clinical testing. Allele origin: germline.

Illumina Laboratory Services, Illumina
Classification: Uncertain significance for Familial hypobetalipoproteinemia 1. Last evaluated: 2018-01-13. Review status: criteria provided, single submitter. Criteria: ICSL Variant Classification Criteria 13 December 2019. Collection method: clinical testing. Allele origin: germline.

NM_000384.3(APOB):c.1837A>C (p.Lys613Gln)

Gene: APOB (apolipoprotein B; minus strand). Cytogenetic location: 2p24.1.
Variant type: single nucleotide variant.
Coding change: c.1837A>C on transcript NM_000384.3 (MANE Select); coding-DNA position 1837, A replaced by C.
Protein change: p.Lys613Gln; replaces lysine 613 with glutamine.
Molecular consequence: missense variant.
Genome position (GRCh38, 1-based): chr2:21,028,058, T>G on the plus strand (A>C on the coding strand, the complement: APOB is on the minus strand). VCF-style: chr2-21028058-T-G. GRCh37 (hg19) VCF-style: chr2-21250930-T-G.
Other names: short protein forms K613Q.
Identifiers: ClinVar variation 895848 (VCV000895848.9), dbSNP rs1246400480, ClinGen allele CA346013928.
Genomic context (GRCh38, chr2:21,028,058, plus strand): 5'-ATTTTCTGAAGTCCATGACAGTTGGAAGTTGAGATTCTTTCAGAGCTTCTTTCACTAACT[T>G]TTTCAGACTAGATAAGAAGAAGTATATTTTGAGCTGACACACCATGTTATTATCCTTTGA-3'
Protein context (NP_000375.3, residues 603-623): SEELDIQDLK[Lys613Gln]LVKEALKESQ